The following is an entry in ClinVar:

NM_005188.4(CBL):c.1733T>C (p.Leu578Pro)

Gene: CBL (Cbl proto-oncogene; plus strand). Cytogenetic location: 11q23.3.
Variant type: single nucleotide variant.
Coding change: c.1733T>C on transcript NM_005188.4 (MANE Select); coding-DNA position 1733, T replaced by C.
Protein change: p.Leu578Pro; replaces leucine 578 with proline.
Molecular consequence: missense variant.
Genome position (GRCh38, 1-based): chr11:119,285,358, T>C. VCF-style: chr11-119285358-T-C. GRCh37 (hg19) VCF-style: chr11-119156068-T-C.
Other names: short protein forms L578P.
Identifiers: ClinVar variation 1519492 (VCV001519492.8), dbSNP rs776651600, ClinGen allele CA229642371.

ClinVar aggregate classification (germline): Uncertain significance (1 of 4 stars; one submission).

Conditions:
RASopathy. Also called: rasopathies; Noonan spectrum disorder. Identifiers: Orphanet 536391, MedGen C5555857, MONDO:0021060.

Submission:

Labcorp Genetics (formerly Invitae), Labcorp
Classification: Uncertain significance for RASopathy. Last evaluated: 2024-12-17. Review status: criteria provided, single submitter. Criteria: Invitae Variant Classification Sherloc (09022015). Collection method: clinical testing. Allele origin: germline.
Comment: This sequence change replaces leucine, which is neutral and non-polar, with proline, which is neutral and non-polar, at codon 578 of the CBL protein (p.Leu578Pro). This variant is not present in population databases (gnomAD no frequency). This variant has not been reported in the literature in individuals affected with CBL-related conditions. ClinVar contains an entry for this variant (Variation ID: 1519492). Invitae Evidence Modeling of protein sequence and biophysical properties (such as structural, functional, and spatial information, amino acid conservation, physicochemical variation, residue mobility, and thermodynamic stability) indicates that this missense variant is not expected to disrupt CBL protein function with a negative predictive value of 95%. In summary, the available evidence is currently insufficient to determine the role of this variant in disease. Therefore, it has been classified as a Variant of Uncertain Significance.